The following is an entry in ClinVar:

NM_003659.4(AGPS):c.425A>G (p.His142Arg)

Gene: AGPS (alkylglycerone phosphate synthase; plus strand). Cytogenetic location: 2q31.2.
Variant type: single nucleotide variant.
Coding change: c.425A>G on transcript NM_003659.4 (MANE Select); coding-DNA position 425, A replaced by G.
Protein change: p.His142Arg; replaces histidine 142 with arginine.
Molecular consequence: missense variant.
Genome position (GRCh38, 1-based): chr2:177,434,401, A>G. VCF-style: chr2-177434401-A-G. GRCh37 (hg19) VCF-style: chr2-178299129-A-G.
Other names: short protein forms H142R.
Identifiers: ClinVar variation 1436691 (VCV001436691.5), dbSNP rs144836649, ClinGen allele CA1980060.

ClinVar aggregate classification (germline): Uncertain significance (1 of 4 stars; one submission).

Allele frequency attached by ClinVar (database versions not stated): gnomAD exomes 0.00001.
gnomAD v4.1: 9 of 1,612,188 alleles (0.00056%); highest among the groups gnomAD compares: East Asian, 0.0022%; no homozygotes.

Submission:

Labcorp Genetics (formerly Invitae), Labcorp
Classification: Uncertain significance. Last evaluated: 2024-10-15. Review status: criteria provided, single submitter. Criteria: Invitae Variant Classification Sherloc (09022015). Collection method: clinical testing. Allele origin: germline.
Comment: This sequence change replaces histidine, which is basic and polar, with arginine, which is basic and polar, at codon 142 of the AGPS protein (p.His142Arg). This variant is present in population databases (rs144836649, gnomAD 0.01%). This variant has not been reported in the literature in individuals affected with AGPS-related conditions. ClinVar contains an entry for this variant (Variation ID: 1436691). An algorithm developed to predict the effect of missense changes on protein structure and function (PolyPhen-2) suggests that this variant is likely to be tolerated. In summary, the available evidence is currently insufficient to determine the role of this variant in disease. Therefore, it has been classified as a Variant of Uncertain Significance.